The following is an entry in ClinVar:

ClinVar aggregate classification (germline): Uncertain significance (1 of 4 stars; one submission).

Conditions:
Developmental and epileptic encephalopathy, 11 (DEE11). Also called: Early infantile epileptic encephalopathy 11. Identifiers: Orphanet 1934, MedGen C3150987, MONDO:0013388, OMIM 613721.
Seizures, benign familial infantile, 3 (BFIS3). Also called: CONVULSIONS, BENIGN FAMILIAL INFANTILE, 3; Familial neonatal seizures. Identifiers: Orphanet 140927, Orphanet 306, MedGen C1843140, MONDO:0011904, OMIM 607745.

Submission:

Labcorp Genetics (formerly Invitae), Labcorp
Classification: Uncertain significance for Seizures, benign familial infantile, 3; Developmental and epileptic encephalopathy, 11. Last evaluated: 2021-12-08. Review status: criteria provided, single submitter. Criteria: Invitae Variant Classification Sherloc (09022015). Collection method: clinical testing. Allele origin: germline.
Comment: In summary, the available evidence is currently insufficient to determine the role of this variant in disease. Therefore, it has been classified as a Variant of Uncertain Significance. Algorithms developed to predict the effect of missense changes on protein structure and function are either unavailable or do not agree on the potential impact of this missense change (SIFT: "Deleterious"; PolyPhen-2: "Benign"; Align-GVGD: "Class C0"). ClinVar contains an entry for this variant (Variation ID: 464919). This variant has not been reported in the literature in individuals affected with SCN2A-related conditions. This variant is not present in population databases (gnomAD no frequency). This sequence change replaces phenylalanine, which is neutral and non-polar, with serine, which is neutral and polar, at codon 201 of the SCN2A protein (p.Phe201Ser).

NM_001040142.2(SCN2A):c.602T>C (p.Phe201Ser)

Gene: SCN2A (sodium voltage-gated channel alpha subunit 2; plus strand). Cytogenetic location: 2q24.3.
Variant type: single nucleotide variant.
Coding change: c.602T>C on transcript NM_001040142.2 (MANE Select); coding-DNA position 602, T replaced by C.
Protein change: p.Phe201Ser; replaces phenylalanine 201 with serine.
Molecular consequence: missense variant.
Genome position (GRCh38, 1-based): chr2:165,308,791, T>C. VCF-style: chr2-165308791-T-C. GRCh37 (hg19) VCF-style: chr2-166165301-T-C.
Other names: c.602T>C, p.Phe201Ser (NM_001040143.2, NM_001371246.1, NM_001371247.1 and 1 more transcripts); short protein forms F201S.
Identifiers: ClinVar variation 464919 (VCV000464919.7), dbSNP rs1553567406, ClinGen allele CA349016796.
Genomic context (GRCh38, chr2:165,308,791, plus strand): 5'-TAGAAGATTTCACATTTTTACGGGATCCATGGAATTGGTTGGATTTCACAGTCATTACTT[T>C]TGCGTAAGTATCTTAATACATTTTCTATCCTGGAAGAGTAAATCACTGGTGGGAGCCTAT-3'
Protein context (NP_001035232.1, residues 191-211): WNWLDFTVIT[Phe201Ser]AYVTEFVDLG